The following is an entry in ClinVar:

ClinVar aggregate classification (germline): Benign/Likely benign. Review status: criteria provided, multiple submitters, no conflicts (2 of 4 stars). 4 submissions from 4 submitters: Benign (1); Likely benign (3). Last evaluated 2026-03-24.

Conditions:
Ornithine carbamoyltransferase deficiency (OTCD). Also called: ORNITHINE TRANSCARBAMYLASE DEFICIENCY; ORNITHINE TRANSCARBAMYLASE DEFICIENCY, HYPERAMMONEMIA DUE TO; Ornithine Carbamoyltransferase Deficiency Disease; OTC DEFICIENCY. Identifiers: Orphanet 664, MedGen C0268542, MONDO:0010703, OMIM 311250.

Allele frequency attached by ClinVar (database versions not stated): gnomAD 0.00001; gnomAD exomes 0.00002.
gnomAD v4.1: 20 of 1,207,838 alleles (0.0017%); highest among the groups gnomAD compares: Non-Finnish European, 0.0019%; no homozygotes.

Submissions (4):

Women's Health and Genetics/Laboratory Corporation of America, LabCorp
Classification: Likely benign. Last evaluated: 2026-03-24. Review status: criteria provided, single submitter. Criteria: LabCorp Variant Classification Summary - May 2015. Collection method: clinical testing. Allele origin: germline.

Labcorp Genetics (formerly Invitae), Labcorp
Classification: Benign for Ornithine carbamoyltransferase deficiency. Last evaluated: 2024-01-19. Review status: criteria provided, single submitter. Criteria: Invitae Variant Classification Sherloc (09022015). Collection method: clinical testing. Allele origin: germline.

All of Us Research Program, National Institutes of Health
Classification: Likely benign for Ornithine carbamoyltransferase deficiency. Last evaluated: 2023-08-15. Review status: criteria provided, single submitter. Criteria: ACMG Guidelines, 2015. Collection method: clinical testing. Allele origin: germline. Inheritance: X-linked inheritance. Observed: 2 variant alleles, 1 heterozygote, 1 homozygote.
Comment: This study involves interpretation of variants in research participants for the purpose of population health screening. Participant phenotype was not available at the time of variant classification. Additional details can be found in publication PMID: 35346344, PMCID: PMC8962531

Color Diagnostics, LLC DBA Color Health
Classification: Likely benign for Ornithine carbamoyltransferase deficiency. Last evaluated: 2022-04-21. Review status: criteria provided, single submitter. Criteria: ACMG Guidelines, 2015. Collection method: clinical testing. Allele origin: germline.

NM_000531.6(OTC):c.556C>T (p.Leu186=)

Gene: OTC (ornithine transcarbamylase; plus strand). Cytogenetic location: Xp11.4.
Variant type: single nucleotide variant.
Coding change: c.556C>T on transcript NM_000531.6 (MANE Select); coding-DNA position 556, C replaced by T.
Protein change: p.Leu186=; no amino-acid change (leucine 186 retained).
Molecular consequence: synonymous variant.
Genome position (GRCh38, 1-based): chrX:38,403,633, C>T. VCF-style: chrX-38403633-C-T. GRCh37 (hg19) VCF-style: chrX-38262886-C-T.
Identifiers: ClinVar variation 1169934 (VCV001169934.11), dbSNP rs1337833268, ClinGen allele CA515650620.
Genomic context (GRCh38, chrX:38,403,633, plus strand): 5'-CGAATTTACGCCTGGATTTCATCTCCTTCATCCCGTGCCTTTTAGGAACACTATAGCTCT[C>T]TGAAAGGTCTTACCCTCAGCTGGATCGGGGATGGGAACAATATCCTGCACTCCATCATGA-3'
Protein context (NP_000522.3, residues 176-196): YLTLQEHYSS[Leu186=]KGLTLSWIGD